The following is an entry in ClinVar:

NM_001161352.2(KCNMA1):c.*1243T>C

Gene: KCNMA1 (potassium calcium-activated channel subfamily M alpha 1; minus strand). Cytogenetic location: 10q22.3.
Variant type: single nucleotide variant.
Coding change: c.*1243T>C on transcript NM_001161352.2 (MANE Select); 1243 bases downstream of the stop codon, T replaced by C.
Molecular consequence: 3 prime UTR variant. On other transcripts: intron variant (7).
Genome position (GRCh38, 1-based): chr10:76,886,023, A>G on the plus strand (T>C on the coding strand, the complement: KCNMA1 is on the minus strand). VCF-style: chr10-76886023-A-G. GRCh37 (hg19) VCF-style: chr10-78645781-A-G.
Other names: c.3605+1268T>C (NM_001322835.2); c.3614+1268T>C (NM_001322830.2); c.3059+1268T>C (NM_001322838.2); c.*1243T>C (NM_001161353.2, NM_001271519.2, NM_001322836.2 and 2 more transcripts); c.3362+1268T>C (NM_001271518.2); c.3512+1268T>C (NM_001322832.2); c.3521+1268T>C (NM_001322829.2); c.3524+1268T>C (NM_001014797.3).
Identifiers: ClinVar variation 300936 (VCV000300936.5), dbSNP rs141466507, ClinGen allele CA10636491.

ClinVar aggregate classification (germline): Likely benign (1 of 4 stars; one submission).

Conditions:
Generalized epilepsy-paroxysmal dyskinesia syndrome (PNKD3). Also called: Paroxysmal nonkinesigenic dyskinesia, 3, with or without generalized epilepsy; Generalized epilepsy and paroxysmal dyskinesia. Identifiers: Orphanet 79137, MedGen C5574945, MONDO:0012276, OMIM 609446.

Allele frequency attached by ClinVar (database versions not stated): gnomAD exomes 0.00001; TOPMed 0.00001; gnomAD 0.00002 and 0.00006; 1000 Genomes Project 30x 0.00047; 1000 Genomes Project 0.00060.
gnomAD v4.1: 15 of 985,398 alleles (0.0015%); highest among the groups gnomAD compares: East Asian, 0.11%; no homozygotes.

Submission:

Illumina Laboratory Services, Illumina
Classification: Likely benign for Generalized epilepsy-paroxysmal dyskinesia syndrome. Last evaluated: 2018-01-12. Review status: criteria provided, single submitter. Criteria: ICSL Variant Classification Criteria 13 December 2019. Collection method: clinical testing. Allele origin: germline.
Comment: This variant was observed in the ICSL laboratory as part of a predisposition screen in an ostensibly healthy population. It had not been previously curated by ICSL or reported in the Human Gene Mutation Database (HGMD: prior to June 1st, 2018), and was therefore a candidate for classification through an automated scoring system. Utilizing variant allele frequency, disease prevalence and penetrance estimates, and inheritance mode, an automated score was calculated to assess if this variant is too frequent to cause the disease. Based on the score and internal cut-off values, a variant classified as likely benign is not then subjected to further curation. The score for this variant resulted in a classification of likely benign for this disease.